The following is an entry in ClinVar:

ClinVar aggregate classification (germline): Uncertain significance (1 of 4 stars; one submission).

Conditions:
Noonan syndrome (NS). Also called: Noonan's syndrome. Identifiers: Orphanet 648, MedGen C0028326, MeSH D009634, MONDO:0018997. Disease mechanism: gain of function.

Submission:

Labcorp Genetics (formerly Invitae), Labcorp
Classification: Uncertain significance for Noonan syndrome. Last evaluated: 2021-12-14. Review status: criteria provided, single submitter. Criteria: Invitae Variant Classification Sherloc (09022015). Collection method: clinical testing. Allele origin: germline.
Comment: This sequence change replaces valine, which is neutral and non-polar, with leucine, which is neutral and non-polar, at codon 138 of the RRAS protein (p.Val138Leu). This variant is not present in population databases (gnomAD no frequency). In summary, the available evidence is currently insufficient to determine the role of this variant in disease. Therefore, it has been classified as a Variant of Uncertain Significance. Algorithms developed to predict the effect of missense changes on protein structure and function (SIFT, PolyPhen-2, Align-GVGD) all suggest that this variant is likely to be tolerated. This variant has not been reported in the literature in individuals affected with RRAS-related conditions.

NM_006270.5(RRAS):c.412G>T (p.Val138Leu)

Gene: RRAS (RAS related; minus strand). Cytogenetic location: 19q13.33.
Variant type: single nucleotide variant.
Coding change: c.412G>T on transcript NM_006270.5 (MANE Select); coding-DNA position 412, G replaced by T.
Protein change: p.Val138Leu; replaces valine 138 with leucine.
Molecular consequence: missense variant.
Genome position (GRCh38, 1-based): chr19:49,636,660, C>A on the plus strand (G>T on the coding strand, the complement: RRAS is on the minus strand). VCF-style: chr19-49636660-C-A. GRCh37 (hg19) VCF-style: chr19-50139917-C-A.
Other names: short protein forms V138L.
Identifiers: ClinVar variation 1397009 (VCV001397009.6), dbSNP rs2122419131, ClinGen allele CA406846243.